The following is an entry in ClinVar:

NM_032737.4(LMNB2):c.1631C>T (p.Ser544Leu)

Gene: LMNB2 (lamin B2; minus strand). Cytogenetic location: 19p13.3.
Variant type: single nucleotide variant.
Coding change: c.1631C>T on transcript NM_032737.4 (MANE Select); coding-DNA position 1631, C replaced by T.
Protein change: p.Ser544Leu; replaces serine 544 with leucine.
Molecular consequence: missense variant.
Genome position (GRCh38, 1-based): chr19:2,431,862, G>A on the plus strand (C>T on the coding strand, the complement: LMNB2 is on the minus strand). VCF-style: chr19-2431862-G-A. GRCh37 (hg19) VCF-style: chr19-2431860-G-A.
Other names: c.1571C>T (NM_032737.2); short protein forms S544L.
Identifiers: ClinVar variation 1518701 (VCV001518701.9), dbSNP rs776253195, ClinGen allele CA9067390.
Genomic context (GRCh38, chr19:2,431,862, plus strand): 5'-AGGACGGTGCGGAAGCTCTCGCCCGTGCCCCAGCTGCTCTGGCCCTTCCACACCAGCGTC[G>A]AGGGGGGGCTGTGGGCCACCCCCGCACCAGCTGCCCACACCTGAGGACCCAATAACAATG-3'
Protein context (NP_116126.3, residues 534-554): AGAGVAHSPP[Ser544Leu]TLVWKGQSSW

ClinVar aggregate classification (germline): Uncertain significance. Review status: criteria provided, multiple submitters, no conflicts (2 of 4 stars). 2 submissions from 2 submitters: Uncertain significance (2). Last evaluated 2026-01-05.

Conditions:
Progressive myoclonic epilepsy type 9. Identifiers: Orphanet 457265, MedGen C4225289, MONDO:0014685, OMIM 616540.
Lipodystrophy, partial, acquired, susceptibility to (APLD). Also called: APLD, SUSCEPTIBILITY TO. Identifiers: MedGen C3887501, MONDO:0100476, OMIM 608709.

Allele frequency attached by ClinVar (database versions not stated): gnomAD 0.00003; ExAC 0.00003; TOPMed 0.00005; gnomAD exomes 0.00006 and 0.00002.
gnomAD v4.1: 31 of 1,612,978 alleles (0.0019%); highest among the groups gnomAD compares: Admixed American, 0.017%; no homozygotes.

Submissions (2):

Labcorp Genetics (formerly Invitae), Labcorp
Classification: Uncertain significance for Progressive myoclonic epilepsy type 9; Lipodystrophy, partial, acquired, susceptibility to. Last evaluated: 2026-01-05. Review status: criteria provided, single submitter. Criteria: Invitae Variant Classification Sherloc (09022015). Collection method: clinical testing. Allele origin: germline.
Comment: This sequence change replaces serine, which is neutral and polar, with leucine, which is neutral and non-polar, at codon 544 of the LMNB2 protein (p.Ser544Leu). This variant is present in population databases (rs776253195, gnomAD 0.03%). This variant has not been reported in the literature in individuals affected with LMNB2-related conditions. ClinVar contains an entry for this variant (Variation ID: 1518701). Invitae Evidence Modeling of protein sequence and biophysical properties (such as structural, functional, and spatial information, amino acid conservation, physicochemical variation, residue mobility, and thermodynamic stability) indicates that this missense variant is not expected to disrupt LMNB2 protein function with a negative predictive value of 80%. In summary, the available evidence is currently insufficient to determine the role of this variant in disease. Therefore, it has been classified as a Variant of Uncertain Significance.

Ambry Genetics
Classification: Uncertain significance. Last evaluated: 2024-01-03. Review status: criteria provided, single submitter. Criteria: Ambry Variant Classification Scheme 2023. Collection method: clinical testing. Allele origin: germline.